The following is an entry in ClinVar:

NM_001365536.1(SCN9A):c.*958C>T

Genes: SCN1A-AS1 (SCN1A and SCN9A antisense RNA 1; plus strand), SCN9A (sodium voltage-gated channel alpha subunit 9; minus strand). Cytogenetic location: 2q24.3.
Variant type: single nucleotide variant.
Coding change: c.*958C>T on transcript NM_001365536.1 (MANE Select); 958 bases downstream of the stop codon, C replaced by T.
Molecular consequence: 3 prime UTR variant.
Genome position (GRCh38, 1-based): chr2:166,197,714, G>A on the plus strand (C>T on the coding strand, the complement: SCN9A is on the minus strand). VCF-style: chr2-166197714-G-A. GRCh37 (hg19) VCF-style: chr2-167054224-G-A.
Other names: c.*958C>T (NM_002977.4).
Identifiers: ClinVar variation 331939 (VCV000331939.6), dbSNP rs143727895, ClinGen allele CA10611619.

ClinVar aggregate classification (germline): Benign. Review status: criteria provided, single submitter (1 of 4 stars). 3 submissions from 1 submitter: Benign (3). Last evaluated 2018-01-12.

Conditions:
Primary erythromelalgia. Also called: SCN9A Erythromelalgia (SCN9A-EM); primary erythermalgia. Identifiers: Orphanet 306577, Orphanet 90026, MedGen C0014805, MONDO:0007571, OMIM 133020.
Paroxysmal extreme pain disorder (PEXPD). Also called: PAIN, SUBMANDIBULAR, OCULAR, AND RECTAL, WITH FLUSHING; RECTAL PAIN, FAMILIAL; SCN9A Paroxysmal Extreme Pain Disorder (SCN9A-PEPD). Identifiers: Orphanet 46348, MedGen C1833661, MONDO:0008179, OMIM 167400.
Channelopathy-associated congenital insensitivity to pain, autosomal recessive. Also called: Insensitivity to pain, channelopathy-associated; ASYMBOLIA FOR PAIN; CONGENITAL ANALGESIA, AUTOSOMAL RECESSIVE. Identifiers: Orphanet 88642, Orphanet 970, MedGen C1855739, MONDO:0009459, OMIM 243000.

Allele frequency attached by ClinVar (database versions not stated): gnomAD 0.00922 and 0.00990; TOPMed 0.01017; 1000 Genomes Project 0.01078; 1000 Genomes Project 30x 0.01296.

Submissions (3):

Illumina Laboratory Services, Illumina
Classification: Benign for Paroxysmal extreme pain disorder. Last evaluated: 2018-01-12. Review status: criteria provided, single submitter. Criteria: ICSL Variant Classification Criteria 13 December 2019. Collection method: clinical testing. Allele origin: germline.
Comment: This variant was observed in the ICSL laboratory as part of a predisposition screen in an ostensibly healthy population. It had not been previously curated by ICSL or reported in the Human Gene Mutation Database (HGMD: prior to June 1st, 2018), and was therefore a candidate for classification through an automated scoring system. Utilizing variant allele frequency, disease prevalence and penetrance estimates, and inheritance mode, an automated score was calculated to assess if this variant is too frequent to cause the disease. Based on the score and internal cut-off values, a variant classified as benign is not then subjected to further curation. The score for this variant resulted in a classification of benign for this disease.

Illumina Laboratory Services, Illumina
Classification: Benign for Channelopathy-associated congenital insensitivity to pain, autosomal recessive. Last evaluated: 2018-01-12. Review status: criteria provided, single submitter. Criteria: ICSL Variant Classification Criteria 13 December 2019. Collection method: clinical testing. Allele origin: germline.
Comment: the same text as in the submission from Illumina Laboratory Services, Illumina above.

Illumina Laboratory Services, Illumina
Classification: Benign for Primary erythromelalgia. Last evaluated: 2018-01-12. Review status: criteria provided, single submitter. Criteria: ICSL Variant Classification Criteria 13 December 2019. Collection method: clinical testing. Allele origin: germline.
Comment: the same text as in the submission from Illumina Laboratory Services, Illumina above.